The following is an entry in ClinVar:

NM_176824.3(BBS7):c.525A>C (p.Leu175Phe)

Gene: BBS7 (Bardet-Biedl syndrome 7; minus strand). Cytogenetic location: 4q27.
Variant type: single nucleotide variant.
Coding change: c.525A>C on transcript NM_176824.3 (MANE Select); coding-DNA position 525, A replaced by C.
Protein change: p.Leu175Phe; replaces leucine 175 with phenylalanine.
Molecular consequence: missense variant.
Genome position (GRCh38, 1-based): chr4:121,858,995, T>G on the plus strand (A>C on the coding strand, the complement: BBS7 is on the minus strand). VCF-style: chr4-121858995-T-G. GRCh37 (hg19) VCF-style: chr4-122780150-T-G.
Other names: c.525A>C, p.Leu175Phe (NM_018190.4); short protein forms L175F.
Identifiers: ClinVar variation 3346200 (VCV003346200.1).

ClinVar aggregate classification (germline): Uncertain significance (0 of 4 stars; one submission).

Conditions:
BBS7-related disorder. Also called: BBS7-related condition.

gnomAD v4.1: 3 of 1,613,232 alleles (0.00019%); highest among the groups gnomAD compares: Admixed American, 0.0017%; no homozygotes.

Submission:

PreventionGenetics, part of Exact Sciences
Classification: Uncertain significance for BBS7-related condition. Last evaluated: 2024-06-07. Review status: no assertion criteria provided. Collection method: clinical testing. Allele origin: germline.
Comment: The BBS7 c.525A>C variant is predicted to result in the amino acid substitution p.Leu175Phe. To our knowledge, this variant has not been reported in the literature. This variant is reported in 0.0029% of alleles in individuals of Latino descent in gnomAD. At this time, the clinical significance of this variant is uncertain due to the absence of conclusive functional and genetic evidence.